The following is an entry in ClinVar:

ClinVar aggregate classification (germline): Uncertain significance (1 of 4 stars; one submission).

Submission:

Women's Health and Genetics/Laboratory Corporation of America, LabCorp
Classification: Uncertain significance. Last evaluated: 2023-08-10. Review status: criteria provided, single submitter. Criteria: LabCorp Variant Classification Summary - May 2015. Collection method: clinical testing. Allele origin: germline.
Comment: Variant summary: GAA c.1461C>G (p.Phe487Leu) results in a non-conservative amino acid change in the encoded protein sequence. Five of five in-silico tools predict a damaging effect of the variant on protein function. The variant was absent in 251146 control chromosomes. The available data on variant occurrences in the general population are insufficient to allow any conclusion about variant significance. c.1461C>G has been reported in the literature in the context of Newborn screening (Liao_2017), Type 2 (Pompe Disease). Additionally, a different base pair change resulting the same amino acid c.1463C>T (p.Pro488Leu) has been observed in a homozygous patient with Late onset Pompe disease (PMID_34864681). To our knowledge, no experimental evidence demonstrating an impact on protein function has been reported. The following publication have been ascertained in the context of this evaluation (PMID: 28450385). No submitters have cited clinical-significance assessments for this variant to ClinVar after 2014. Based on the evidence outlined above, the variant was classified as uncertain significance.

Literature cited by the submitters: PubMed 28450385.

NM_000152.5(GAA):c.1461C>G (p.Phe487Leu)

Gene: GAA (alpha glucosidase; plus strand). Cytogenetic location: 17q25.3.
Variant type: single nucleotide variant.
Coding change: c.1461C>G on transcript NM_000152.5 (MANE Select); coding-DNA position 1461, C replaced by G.
Protein change: p.Phe487Leu; replaces phenylalanine 487 with leucine.
Molecular consequence: missense variant.
Genome position (GRCh38, 1-based): chr17:80,110,750, C>G. VCF-style: chr17-80110750-C-G. GRCh37 (hg19) VCF-style: chr17-78084549-C-G.
Other names: c.1461C>G, p.Phe487Leu (NM_001079803.3, NM_001079804.3, NM_001406741.1 and 1 more transcripts); short protein forms F487L.
Identifiers: ClinVar variation 2581623 (VCV002581623.1), dbSNP rs2510373728, ClinGen allele CA401366857.